The following is an entry in ClinVar:

ClinVar aggregate classification (germline): Uncertain significance (1 of 4 stars; one submission).

Conditions:
GNAS-related disorder. Identifiers: MedGen CN380105.

gnomAD v4.1: 5 of 1,591,150 alleles (0.00031%); highest among the groups gnomAD compares: African/African-American, 0.0027%; no homozygotes.

Submission:

PreventionGenetics, part of Exact Sciences
Classification: Uncertain significance for GNAS-related condition. Last evaluated: 2026-06-10. Review status: criteria provided, single submitter. Criteria: ACMG Guidelines, 2015. Collection method: clinical testing. Allele origin: germline.
Comment: The GNAS c.1979G>A variant is predicted to result in the amino acid substitution p.Arg660His. Of note, in the more commonly reported transcript (NM_000516.5), this variant is precoding (c.-36483G>A). To our knowledge, this variant has not been reported in the literature. This variant is reported in 0.023% of alleles in individuals of African descent in gnomAD. At this time, the clinical significance of this variant is uncertain due to the absence of conclusive functional and genetic evidence.

NM_080425.4(GNAS):c.1979G>A (p.Arg660His)

Gene: GNAS (GNAS complex locus; plus strand). Cytogenetic location: 20q13.32.
Variant type: single nucleotide variant.
Coding change: c.1979G>A on transcript NM_080425.4 (MANE Plus Clinical); coding-DNA position 1979, G replaced by A.
Protein change: p.Arg660His; replaces arginine 660 with histidine.
Molecular consequence: missense variant. On other transcripts: intron variant (3).
Genome position (GRCh38, 1-based): chr20:58,855,244, G>A. VCF-style: chr20-58855244-G-A. GRCh37 (hg19) VCF-style: chr20-57430299-G-A.
Other names: c.1792G>A, p.Ala598Thr (NM_001077490.3, NM_001309883.1); c.1979G>A, p.Arg660His (NM_001410913.1); c.*42+14358G>A (NM_016592.5); c.43+14358G>A (NM_001410912.1); c.-39+13369G>A (NM_001309861.2); short protein forms A598T, R660H.
Identifiers: ClinVar variation 4979806 (VCV004979806.1).